The following is an entry in ClinVar:

ClinVar aggregate classification (germline): Uncertain significance (1 of 4 stars; one submission).

Conditions:
MAP3K7-related disorder.

Submission:

PreventionGenetics, part of Exact Sciences
Classification: Uncertain significance for MAP3K7-related condition. Last evaluated: 2025-06-24. Review status: criteria provided, single submitter. Criteria: ACMG Guidelines, 2015. Collection method: clinical testing. Allele origin: germline.
Comment: The MAP3K7 c.765A>T variant is predicted to result in the amino acid substitution p.Leu255Phe. To our knowledge, this variant has not been reported in the literature or in a large population database (gnomAD), indicating this variant is rare. Although we suspect that this variant may be pathogenic, at this time, the clinical significance of this variant is uncertain due to the absence of conclusive functional and genetic evidence.

NM_145331.3(MAP3K7):c.765A>T (p.Leu255Phe)

Gene: MAP3K7 (mitogen-activated protein kinase kinase kinase 7; minus strand). Cytogenetic location: 6q15.
Variant type: single nucleotide variant.
Coding change: c.765A>T on transcript NM_145331.3 (MANE Select); coding-DNA position 765, A replaced by T.
Protein change: p.Leu255Phe; replaces leucine 255 with phenylalanine.
Molecular consequence: missense variant.
Genome position (GRCh38, 1-based): chr6:90,552,151, T>A on the plus strand (A>T on the coding strand, the complement: MAP3K7 is on the minus strand). VCF-style: chr6-90552151-T-A. GRCh37 (hg19) VCF-style: chr6-91261870-T-A.
Other names: c.765A>T, p.Leu255Phe (NM_003188.4, NM_145332.3, NM_145333.3); short protein forms L255F.
Identifiers: ClinVar variation 4999923 (VCV004999923.1).